The following is an entry in ClinVar:

NM_016188.5(ACTL6B):c.387G>A (p.Lys129=)

Gene: ACTL6B (actin like 6B; minus strand). Cytogenetic location: 7q22.1.
Variant type: single nucleotide variant.
Coding change: c.387G>A on transcript NM_016188.5 (MANE Select); coding-DNA position 387, G replaced by A.
Protein change: p.Lys129=; no amino-acid change (lysine 129 retained).
Molecular consequence: synonymous variant. On other transcripts: non-coding transcript variant (1).
Genome position (GRCh38, 1-based): chr7:100,650,118, C>T on the plus strand (G>A on the coding strand, the complement: ACTL6B is on the minus strand). VCF-style: chr7-100650118-C-T. GRCh37 (hg19) VCF-style: chr7-100247741-C-T.
Other names: c.387G>A (NM_016188.4).
Identifiers: ClinVar variation 1701529 (VCV001701529.32), dbSNP rs543803288, ClinGen allele CA4387274.

ClinVar aggregate classification (germline): Likely benign. Review status: criteria provided, multiple submitters, no conflicts (2 of 4 stars). 2 submissions from 2 submitters: Likely benign (2). Last evaluated 2026-05-01.

Conditions:
ACTL6B-related disorder. Also called: ACTL6B-related condition.

Allele frequency attached by ClinVar (database versions not stated): TOPMed 0.00002; gnomAD 0.00008; gnomAD exomes 0.00011 and 0.00024; ExAC 0.00027; 1000 Genomes Project 30x 0.00078; 1000 Genomes Project 0.00080.
gnomAD v4.1: 170 of 1,613,904 alleles (0.011%); highest among the groups gnomAD compares: South Asian, 0.18%; 1 homozygote.

Submissions (2):

CeGaT Center for Human Genetics Tuebingen
Classification: Likely benign. Last evaluated: 2026-05-01. Review status: criteria provided, single submitter. Criteria: CeGaT Center For Human Genetics Tuebingen Variant Classification Criteria Version 2. Collection method: clinical testing. Allele origin: germline. Affected: yes. Observed: 2 variant alleles.
Comment: ACTL6B: BP4, BP7

PreventionGenetics, part of Exact Sciences
Classification: Likely benign for ACTL6B-related condition. Last evaluated: 2026-01-14. Review status: criteria provided, single submitter. Criteria: ACMG Guidelines, 2015. Collection method: clinical testing. Allele origin: germline.
Comment: This variant is classified as likely benign based on ACMG/AMP sequence variant interpretation guidelines (Richards et al. 2015 PMID: 25741868, with internal and published modifications).